The following is an entry in ClinVar:

ClinVar aggregate classification (germline): Uncertain significance. Review status: criteria provided, multiple submitters, no conflicts (2 of 4 stars). 3 submissions from 3 submitters: Uncertain significance (3). Last evaluated 2024-08-15.

Conditions:
Inborn genetic diseases. Identifiers: MedGen C0950123, MeSH D030342.
LAMA2-related muscular dystrophy (LAMA2-RD). Also called: Laminin alpha 2-related dystrophy. Identifiers: MedGen C5679788, MONDO:0100228.

Allele frequency attached by ClinVar (database versions not stated): gnomAD 0.00001; TOPMed 0.00002.
gnomAD v4.1: 14 of 1,612,172 alleles (0.00087%); highest among the groups gnomAD compares: East Asian, 0.0022%; no homozygotes.

Submissions (3):

Ambry Genetics
Classification: Uncertain significance for Inborn genetic diseases. Last evaluated: 2024-08-15. Review status: criteria provided, single submitter. Criteria: Ambry Variant Classification Scheme 2023. Collection method: clinical testing. Allele origin: germline.

CeGaT Center for Human Genetics Tuebingen
Classification: Uncertain significance. Last evaluated: 2023-05-01. Review status: criteria provided, single submitter. Criteria: CeGaT Center For Human Genetics Tuebingen Variant Classification Criteria Version 2. Collection method: clinical testing. Allele origin: germline. Affected: yes. Observed: 1 variant allele.
Comment: LAMA2: PM2

Labcorp Genetics (formerly Invitae), Labcorp
Classification: Uncertain significance for LAMA2-related muscular dystrophy. Last evaluated: 2022-08-04. Review status: criteria provided, single submitter. Criteria: Invitae Variant Classification Sherloc (09022015). Collection method: clinical testing. Allele origin: germline.
Comment: This sequence change replaces arginine, which is basic and polar, with glutamine, which is neutral and polar, at codon 2319 of the LAMA2 protein (p.Arg2319Gln). This variant is present in population databases (rs750013590, gnomAD 0.01%). This variant has not been reported in the literature in individuals affected with LAMA2-related conditions. ClinVar contains an entry for this variant (Variation ID: 653546). Advanced modeling of protein sequence and biophysical properties (such as structural, functional, and spatial information, amino acid conservation, physicochemical variation, residue mobility, and thermodynamic stability) performed at Invitae indicates that this missense variant is not expected to disrupt LAMA2 protein function. In summary, the available evidence is currently insufficient to determine the role of this variant in disease. Therefore, it has been classified as a Variant of Uncertain Significance.

NM_000426.4(LAMA2):c.6956G>A (p.Arg2319Gln)

Gene: LAMA2 (laminin subunit alpha 2; plus strand). Cytogenetic location: 6q22.33.
Variant type: single nucleotide variant.
Coding change: c.6956G>A on transcript NM_000426.4 (MANE Select); coding-DNA position 6956, G replaced by A.
Protein change: p.Arg2319Gln; replaces arginine 2319 with glutamine.
Molecular consequence: missense variant.
Genome position (GRCh38, 1-based): chr6:129,460,288, G>A. VCF-style: chr6-129460288-G-A. GRCh37 (hg19) VCF-style: chr6-129781433-G-A.
Other names: c.6956G>A, p.Arg2319Gln (NM_001079823.2); short protein forms R2319Q.
Identifiers: ClinVar variation 653546 (VCV000653546.33), dbSNP rs750013590, ClinGen allele CA3994401.
Genomic context (GRCh38, chr6:129,460,288, plus strand): 5'-TCACTGGCTGCATGGGAGAAACATACTTTGACAACAAACCTATAGGTTTGTGGAATTTCC[G>A]AGAAAAAGAAGGTGACTGCAAAGGATGCACTGTCAGGTTAGTTGAGATGAGAACTCTCCC-3'
Protein context (NP_000417.3, residues 2309-2329): DNKPIGLWNF[Arg2319Gln]EKEGDCKGCT